The following is an entry in ClinVar:

NM_033656.4(BRWD1):c.456A>T (p.Ile152=)

Gene: BRWD1 (bromodomain and WD repeat domain containing 1; minus strand). Cytogenetic location: 21q22.2.
Variant type: single nucleotide variant.
Coding change: c.456A>T on transcript NM_033656.4 (MANE Select); coding-DNA position 456, A replaced by T.
Protein change: p.Ile152=; no amino-acid change (isoleucine 152 retained).
Molecular consequence: synonymous variant.
Genome position (GRCh38, 1-based): chr21:39,295,896, T>A on the plus strand (A>T on the coding strand, the complement: BRWD1 is on the minus strand). VCF-style: chr21-39295896-T-A. GRCh37 (hg19) VCF-style: chr21-40667822-T-A.
Other names: c.456A>T, p.Ile152= (NM_018963.5).
Identifiers: ClinVar variation 3772209 (VCV003772209.13).

ClinVar aggregate classification (germline): Likely benign (1 of 4 stars; one submission).

gnomAD v4.1: 1 of 1,594,610 alleles (0.000063%); highest among the groups gnomAD compares: Non-Finnish European, 0.000086%; no homozygotes.

Submission:

CeGaT Center for Human Genetics Tuebingen
Classification: Likely benign. Last evaluated: 2025-01-01. Review status: criteria provided, single submitter. Criteria: CeGaT Center For Human Genetics Tuebingen Variant Classification Criteria Version 2. Collection method: clinical testing. Allele origin: germline. Affected: yes. Observed: 1 variant allele.
Comment: BRWD1: BP4, BP7